The following is an entry in ClinVar:

NM_058216.3(RAD51C):c.1096C>T (p.Arg366Trp)

Gene: RAD51C (RAD51 paralog C; plus strand). Cytogenetic location: 17q22.
Variant type: single nucleotide variant.
Coding change: c.1096C>T on transcript NM_058216.3 (MANE Select); coding-DNA position 1096, C replaced by T.
Protein change: p.Arg366Trp; replaces arginine 366 with tryptophan.
Molecular consequence: missense variant. On other transcripts: non-coding transcript variant (1).
Genome position (GRCh38, 1-based): chr17:58,734,187, C>T. VCF-style: chr17-58734187-C-T. GRCh37 (hg19) VCF-style: chr17-56811548-C-T.
Other names: short protein forms R366W.
Identifiers: ClinVar variation 142416 (VCV000142416.35), dbSNP rs587782449, ClinGen allele CA168293.

ClinVar aggregate classification (germline): Conflicting classifications of pathogenicity. Review status: criteria provided, conflicting classifications (1 of 4 stars). 11 submissions from 11 submitters: Uncertain significance (10); Benign (1). Last evaluated 2025-12-13.

Conditions:
Breast-ovarian cancer, familial, susceptibility to, 3. Also called: RAD51C-Related Breast/Ovarian Cancer. Identifiers: Orphanet 145, MedGen C3150659, MONDO:0013253, OMIM 613399.
Fanconi anemia complementation group O. Also called: RAD51C-Related Fanconi Anemia. Identifiers: Orphanet 84, MedGen C3150653, MONDO:0013248, OMIM 613390.
Hereditary cancer-predisposing syndrome. Also called: Neoplastic Syndromes, Hereditary; Hereditary Cancer Syndrome; Hereditary neoplastic syndrome; Tumor predisposition. Identifiers: Orphanet 140162, MedGen C0027672, MeSH D009386, MONDO:0015356.

Allele frequency attached by ClinVar (database versions not stated): gnomAD exomes below 0.00001 and 0.00001; TOPMed below 0.00001; gnomAD 0.00001.
gnomAD v4.1: 16 of 1,612,968 alleles (0.00099%); highest among the groups gnomAD compares: Admixed American, 0.0017%; no homozygotes.

Submissions (11):

Labcorp Genetics (formerly Invitae), Labcorp
Classification: Uncertain significance for Fanconi anemia complementation group O. Last evaluated: 2025-12-13. Review status: criteria provided, single submitter. Criteria: Invitae Variant Classification Sherloc (09022015). Collection method: clinical testing. Allele origin: germline.
Comment: This sequence change replaces arginine, which is basic and polar, with tryptophan, which is neutral and slightly polar, at codon 366 of the RAD51C protein (p.Arg366Trp). The frequency data for this variant in the population databases is considered unreliable, as metrics indicate poor data quality at this position in the gnomAD database. This missense change has been observed in individual(s) with breast and/or ovarian cancer (PMID: 26740214). ClinVar contains an entry for this variant (Variation ID: 142416). An algorithm developed to predict the effect of missense changes on protein structure and function (PolyPhen-2) suggests that this variant is likely to be disruptive. In summary, the available evidence is currently insufficient to determine the role of this variant in disease. Therefore, it has been classified as a Variant of Uncertain Significance.

Ambry Genetics
Classification: Benign for Hereditary cancer-predisposing syndrome. Last evaluated: 2025-10-06. Review status: criteria provided, single submitter. Criteria: Ambry Variant Classification Scheme 2023. Collection method: clinical testing. Allele origin: germline.

Center for Genomic Medicine, Rigshospitalet, Copenhagen University Hospital
Classification: Uncertain significance. Last evaluated: 2025-03-04. Review status: criteria provided, single submitter. Criteria: ACMG Guidelines, 2015. Collection method: clinical testing. Allele origin: germline.

Molecular Diagnostics Laboratory, Catalan Institute of Oncology
Classification: Uncertain significance for Hereditary cancer-predisposing syndrome. Last evaluated: 2024-09-03. Review status: criteria provided, single submitter. Criteria: ACMG Guidelines, 2015. Collection method: clinical testing. Allele origin: germline.
Comment: PM2_Supporting, BP4 c.1096C>T, located in exon 9 of the RAD51C gene, is predicted to result in the substitution of arginine by tryptophan at codon 366, p.(Arg366Trp). This variant is found in 2/266660 alleles at a frequency of 0.0007% in all populations and in 1/117410 alleles in European non-Finnish sub-population, in the gnomAD v2.1.1 database, non-cancer dataset (PM2_supporting). The SpliceAI algorithm predicts no significant impact on splicing. The REVEL meta-predictor score for this variant (0.248) suggests that it does not affect the protein function according to Pejaver 2022 thresholds (PMID: 36413997) (BP4). A functional study revealed that expression of c.1096C>T mutated RAD51C cDNAs, transferred via retroviral vectors in Rad51c-/- DT40 cells and in human RAD51C-mutated fibroblasts, was associated with intermediate cellular survival, as well as normal RAD51 foci formation in response to MMC exposure, respectively (PMID: 20400964). Moreover, this variant has been reported in both cancer patients and healthy individuals. This variant has been reported in the ClinVar database (9x uncertain significance) and in the LOVD database (1x uncertain significance, 1x not classified). Based on currently available information, the variant c.1096C>T should be considered an uncertain significance variant.

Hereditary Cancer Laboratory, Hospital Universitario 12 de Octubre
Classification: Uncertain significance for Hereditary cancer-predisposing syndrome. Last evaluated: 2024-03-14. Review status: criteria provided, single submitter. Criteria: ACMG Guidelines, 2015. Collection method: clinical testing. Allele origin: germline.
Comment: PM2+BP4

Baylor Genetics
Classification: Uncertain significance for Breast-ovarian cancer, familial, susceptibility to, 3. Last evaluated: 2024-03-05. Review status: criteria provided, single submitter. Criteria: ACMG Guidelines, 2015. Collection method: clinical testing. Allele origin: unknown.

GeneDx
Classification: Uncertain significance. Last evaluated: 2022-11-01. Review status: criteria provided, single submitter. Criteria: GeneDx Variant Classification Process June 2021. Collection method: clinical testing. Allele origin: germline. Affected: yes.
Comment: Not observed at significant frequency in large population cohorts (gnomAD); In silico analysis supports that this missense variant does not alter protein structure/function; Observed in an individual with breast cancer (Jnson et al., 2016); This variant is associated with the following publications: (PMID: 22167183, 26740214, 14704354, 12966089)

Color Diagnostics, LLC DBA Color Health
Classification: Uncertain significance for Hereditary cancer-predisposing syndrome. Last evaluated: 2022-01-05. Review status: criteria provided, single submitter. Criteria: ACMG Guidelines, 2015. Collection method: clinical testing. Allele origin: germline.
Comment: This missense variant replaces arginine with tryptophan at codon 366 of the RAD51C protein. Computational prediction suggests that this variant may not impact protein structure and function (internally defined REVEL score threshold <= 0.5, PMID: 27666373). To our knowledge, functional studies have not been performed for this variant. This variant has been reported in an individual affected with breast cancer (PMID: 26740214). In a large breast cancer case-control study, this variant has been observed in 0/60466 cases and 3/53458 controls (PMID: 33471991 - Leiden Open Variation Database DB-ID RAD51C_000075). This variant has been identified in 2/281028 chromosomes in the general population by the Genome Aggregation Database (gnomAD). The available evidence is insufficient to determine the role of this variant in disease conclusively. Therefore, this variant is classified as a Variant of Uncertain Significance.

Fulgent Genetics
Classification: Uncertain significance for Fanconi anemia complementation group O; Breast-ovarian cancer, familial, susceptibility to, 3. Last evaluated: 2021-11-03. Review status: criteria provided, single submitter. Criteria: ACMG Guidelines, 2015. Collection method: clinical testing. Allele origin: unknown.

Women's Health and Genetics/Laboratory Corporation of America, LabCorp
Classification: Uncertain significance. Last evaluated: 2018-08-13. Review status: criteria provided, single submitter. Criteria: LabCorp Variant Classification Summary - May 2015. Collection method: clinical testing. Allele origin: germline.
Comment: Variant summary: RAD51C c.1096C>T (p.Arg366Trp) results in a non-conservative amino acid change in the encoded protein sequence. Four of five in-silico tools predict a damaging effect of the variant on protein function. The variant allele was found at a frequency of 3.2e-05 in 30974 control chromosomes (gnomAD). The available data on variant occurrences in the general population are insufficient to allow any conclusion about variant significance. The variant, c.1096C>T, has been reported in the literature in individuals affected with Hereditary Breast and Ovarian Cancer (Jonson_2016). These data do not allow any conclusion about variant significance. To our knowledge, no experimental evidence demonstrating an impact on protein function has been reported. Four clinical diagnostic laboratories have submitted clinical-significance assessments for this variant to ClinVar after 2014 without evidence for independent evaluation. All laboratories classified the variant as uncertain significance. Based on the evidence outlined above, the variant was classified as uncertain significance.

Quest Diagnostics Nichols Institute San Juan Capistrano
Classification: Uncertain significance. Last evaluated: 2018-05-15. Review status: criteria provided, single submitter. Criteria: Quest Diagnostics criteria. Collection method: clinical testing. Allele origin: germline.

Literature cited by the submitters: PubMed 26740214 (cited by 5 submitters); PubMed 20400964 (cited by Ambry Genetics); PubMed 33471991 (cited by Color Diagnostics, LLC DBA Color Health).